The following is an entry in ClinVar:

ClinVar aggregate classification (germline): Pathogenic. Review status: criteria provided, multiple submitters, no conflicts (2 of 4 stars). 31 submissions from 31 submitters: Pathogenic (26). 5 of the submissions do not count toward it. Last evaluated 2026-06-09.

Conditions:
PALB2-related disorder. Also called: PALB2-related disorders; PALB2-related condition.
Breast-ovarian cancer, familial, susceptibility to, 5 (BROVCA5). Identifiers: MedGen C5830615, MONDO:0957530, OMIM 620442.
Hereditary nonpolyposis colon cancer (HNPCC). Also called: Hereditary Nonpolyposis Colorectal Cancer Syndrome; Hereditary nonpolyposis colorectal cancer; Familial nonpolyposis colon cancer. Identifiers: Orphanet 443909, MedGen C1333990, MONDO:0018630. Disease mechanism: loss of function.
Familial ovarian cancer. Identifiers: MedGen C5679802, MONDO:0016248.
Fanconi anemia complementation group N. Also called: PALB2-Related Fanconi Anemia. Identifiers: Orphanet 84, MedGen C1835817, MONDO:0012565, OMIM 610832. Disease mechanism: loss of function.
Familial cancer of breast. Also called: Hereditary breast cancer; hereditary breast carcinoma; BREAST CANCER, FAMILIAL. Identifiers: Orphanet 227535, MedGen C0346153, MONDO:0016419, OMIM 114480. Disease mechanism: loss of function.
Gastric cancer. Also called: Malignant tumor of stomach; Stomach cancer. Identifiers: MedGen C0024623, MeSH D013274, MONDO:0001056, OMIM 613659, HP:0012126.
Breast and/or ovarian cancer. Identifiers: MedGen CN221562.
Hereditary cancer-predisposing syndrome. Also called: Neoplastic Syndromes, Hereditary; Tumor predisposition; Hereditary neoplastic syndrome; Hereditary Cancer Syndrome. Identifiers: Orphanet 140162, MedGen C0027672, MeSH D009386, MONDO:0015356.
Hereditary breast ovarian cancer syndrome. Also called: Breast and ovarian cancer; BRCA1- and BRCA2-Associated Hereditary Breast and Ovarian Cancer; Hereditary breast and/or ovarian cancer syndrome; Hereditary breast and ovarian cancer syndrome; Hereditary breast and ovarian cancer; Hereditary breast and ovarian cancer syndrome (HBOC). Identifiers: Orphanet 145, MedGen C0677776, MeSH D061325, MONDO:0003582. Disease mechanism: loss of function.
Malignant tumor of breast. Also called: Malignant breast neoplasm; Cancer breast. Identifiers: MedGen C0006142, MONDO:0007254. Disease mechanism: loss of function.

Allele frequency attached by ClinVar (database versions not stated): gnomAD 0.00001; gnomAD exomes 0.00002; TOPMed 0.00002; ExAC 0.00003.
gnomAD v4.1: 16 of 1,614,054 alleles (0.00099%); highest among the groups gnomAD compares: Admixed American, 0.0017%; no homozygotes.

Submissions 1 to 9 of 31:

PreventionGenetics, part of Exact Sciences
Classification: Pathogenic for PALB2-related condition. Last evaluated: 2026-06-09. Review status: criteria provided, single submitter. Criteria: ACMG Guidelines, 2015. Collection method: clinical testing. Allele origin: germline.
Comment: The PALB2 c.2257C>T variant is predicted to result in premature protein termination (p.Arg753*). This variant has been reported in multiple individuals with hereditary breast cancer (Hellebrand et al. 2011. PubMed ID: 21618343; Kim et al. 2016. PubMed ID: 27783279; Papi et al. 2009. PubMed ID: 19763884; Kansuttiviwat et al. 2024. PubMed ID: 38355628) and was also found in the compound heterozygous state in an individual with Fanconi anemia (Reid et al. 2006. PubMed ID: 17200671). This variant was reported at a frequency of 0.0044% in a subpopulation within the gnomAD population database and has been interpreted in ClinVar as pathogenic (Variation ID: 142403). Based on this collective evidence, we interpret this variant as pathogenic.

Labcorp Genetics (formerly Invitae), Labcorp
Classification: Pathogenic for Familial cancer of breast. Last evaluated: 2026-01-11. Review status: criteria provided, single submitter. Criteria: Invitae Variant Classification Sherloc (09022015). Collection method: clinical testing. Allele origin: germline.
Comment: This sequence change creates a premature translational stop signal (p.Arg753*) in the PALB2 gene. It is expected to result in an absent or disrupted protein product. Loss-of-function variants in PALB2 are known to be pathogenic (PMID: 17200668, 17200671, 17200672, 24136930, 25099575). This variant is present in population databases (rs180177110, gnomAD 0.004%). This premature translational stop signal has been observed in individual(s) with breast cancer (PMID: 17200671, 19763884, 20852946, 21618343, 25186627, 25452441). ClinVar contains an entry for this variant (Variation ID: 142403). For these reasons, this variant has been classified as Pathogenic.

Center for Genomic Medicine, Rigshospitalet, Copenhagen University Hospital
Classification: Pathogenic. Last evaluated: 2025-12-29. Review status: criteria provided, single submitter. Criteria: ACMG Guidelines, 2015. Collection method: clinical testing. Allele origin: germline.
Comment: Classification criteria: PVS1, PM3, PM5

Dasa
Classification: Pathogenic for Breast-ovarian cancer, familial, susceptibility to, 5. Last evaluated: 2025-11-27. Review status: criteria provided, single submitter. Criteria: DASA Assertion Criteria. Collection method: clinical testing. Allele origin: germline.
Comment: NM_024675.4(PALB2):c.2257C>T (p.Arg753*) introduces a premature termination codon predicted to result in loss of normal protein function. Loss-of-function is an established mechanism of disease for this gene. The affected residue or protein region has prior evidence supporting clinical relevance. This variant has been observed in affected individuals with Breast-ovarian cancer, familial, susceptibility to, 5 in a genotype context consistent with recessive disease (PMID: 17200671; PMID: 29566657; PMID: 34026625; PMID: 36853301; PMID: 38914840). This variant has been recurrently observed in individuals with Breast-ovarian cancer, familial, susceptibility to, 5 (PMID: 17200671; PMID: 29566657; PMID: 34026625; PMID: 36853301; PMID: 38914840). The variant is present at low frequency in population datasets. Based on the available data, this variant is classified as pathogenic.

Molecular Diagnostics Laboratory, Catalan Institute of Oncology
Classification: Pathogenic for Hereditary cancer-predisposing syndrome. Last evaluated: 2025-07-29. Review status: criteria provided, single submitter. Criteria: ClinGen ACMG Specifications PALB2 V1.1.0. Collection method: clinical testing. Allele origin: germline.
Comment: PVS1, PM3_Moderate, PM5_Supporting c.2257C>T, located in exon 5 of the PALB2 gene, is a nonsense variant expected to result in loss of function by premature protein truncation upstream of codon 1184 and it is predicted to undergo NMD (PVS1) (PM5_Supporting). This variant is found in 4/268349 alleles at a frequency of 0,0015% in the gnomAD v2.1.1 database, non-cancer dataset. It has been reported in at least one Fanconi anemia proband in compound heterozygosis with another truncating variant (PMID: 17200671) (PM3_Moderate). This variant was included as a deleterious control in a homologous repair activity assay (PMID: 33169439). It has been reported in multiple breast cancer-affected patients (PMID: 21618343, 25186627, 27783279, 28724667, 29093764, 31786208, 32854451) and at least one prostate cancer-affected individual (PMID: 32832836). This variant has been reported in the ClinVar database (26x pathogenic), and it has not been reported in LOVD. Based on the currently available information, c.2257C>T is classified as a pathogenic variant according to ClinGen Hereditary Breast, Ovarian and Pancreatic Cancer Expert Panel Specifications to the ACMG/AMP Variant Interpretation Guidelines for PALB2 Version 1.1.0.

Ambry Genetics
Classification: Pathogenic for Hereditary cancer-predisposing syndrome. Last evaluated: 2025-07-22. Review status: criteria provided, single submitter. Criteria: Ambry Variant Classification Scheme 2023. Collection method: clinical testing. Allele origin: germline.
Comment: The c.2257C>T (p.R753*) alteration, located in exon 5 (coding exon 5) of the PALB2 gene, consists of a C to T substitution at nucleotide position 2257. This changes the amino acid from a arginine (R) to a stop codon at amino acid position 753. Premature stop codons are typically deleterious in nature (Richards, 2015). Based on data from gnomAD, this allele has an overall frequency of 0.002% (6/251486) total alleles studied. The highest observed frequency was 0.016% (1/6140) of Other alleles. This variant was reported in individual(s) with features consistent with autosomal dominant PALB2-related cancer predisposition (Papi, 2010; Hellebrand, 2011; Antoniou, 2014; Couch, 2015; Tung, 2015; Decker, 2017; Jian, 2017; Kim, 2017; Lolas Hamameh, 2017; Moran, 2017; Sun, 2017; Tedaldi, 2017; Bonache, 2018; Momozawa, 2018; Park, 2018; Wang, 2018; Girard, 2019; ; Li, 2019; Wang, 2019; Vagena, 2019; Fanale, 2020; Fostira, 2020; Matejcic, 2020; Rodr&iacute;guez-Balada, 2020; Zhou, 2020; Lerner-Ellis, 2021). This variant has also been identified in the homozygous state and/or in conjunction with other PALB2 variant(s) in individual(s) with features consistent with autosomal recessive PALB2-related Fanconi anemia type N (FA-N) (Reid, 2007). Based on the available evidence, this alteration is classified as pathogenic.

Mayo Clinic Laboratories, Mayo Clinic
Classification: Pathogenic. Last evaluated: 2025-03-25. Review status: criteria provided, single submitter. Criteria: ACMG Guidelines, 2015. Collection method: clinical testing. Allele origin: germline. Observed: 1 variant allele.
Comment: PM3, PM5, PVS1

KCCC/NGS Laboratory, Kuwait Cancer Control Center
Classification: Pathogenic for Breast-ovarian cancer, familial, susceptibility to, 5. Last evaluated: 2024-07-31. Review status: criteria provided, single submitter. Criteria: ACMG Guidelines, 2015. Collection method: clinical testing. Allele origin: germline. Inheritance: Autosomal dominant inheritance. Affected: no. Observed: 1 heterozygote.
Comment: This sequence change creates a premature translational stop signal (p.Arg753*) in the PALB2 gene. It is expected to result in an absent or disrupted protein product. Loss-of-function variants in PALB2 are known to be pathogenic (PMID: 17200668, 17200671, 17200672, 24136930, 25099575). This variant is present in population databases (rs180177110, gnomAD 0.004%). This premature translational stop signal has been observed in individual(s) with breast cancer (PMID: 17200671, 19763884, 20852946, 21618343, 25186627, 25452441). ClinVar contains an entry for this variant (Variation ID: 142403). Therefore, this variant has been classified as Pathogenic.

Blueprint Genetics
Classification: Pathogenic for PALB2-related disorders. Last evaluated: 2024-07-29. Review status: criteria provided, single submitter. Criteria: ACMG Guidelines, 2015. Collection method: clinical testing. Allele origin: germline. Affected: yes. Observed: 5 variant alleles.

NM_024675.4(PALB2):c.2257C>T (p.Arg753Ter)

Gene: PALB2 (partner and localizer of BRCA2; minus strand). Cytogenetic location: 16p12.2.
Variant type: single nucleotide variant.
Coding change: c.2257C>T on transcript NM_024675.4 (MANE Select); coding-DNA position 2257, C replaced by T.
Protein change: p.Arg753Ter; replaces arginine 753 with a stop codon.
Molecular consequence: nonsense.
Genome position (GRCh38, 1-based): chr16:23,629,897, G>A on the plus strand (C>T on the coding strand, the complement: PALB2 is on the minus strand). VCF-style: chr16-23629897-G-A. GRCh37 (hg19) VCF-style: chr16-23641218-G-A.
Other names: p.Arg753*; short protein forms R753*.
Identifiers: ClinVar variation 142403 (VCV000142403.113), dbSNP rs180177110, ClinGen allele CA168247.